The following is an entry in ClinVar:

ClinVar aggregate classification (germline): Uncertain significance (1 of 4 stars; one submission).

Allele frequency attached by ClinVar (database versions not stated): ExAC 0.00001; gnomAD 0.00001; TOPMed 0.00001.
gnomAD v4.1: 4 of 1,612,836 alleles (0.00025%); highest among the groups gnomAD compares: Admixed American, 0.0017%; no homozygotes.

Submission:

Women's Health and Genetics/Laboratory Corporation of America, LabCorp
Classification: Uncertain significance. Last evaluated: 2023-12-08. Review status: criteria provided, single submitter. Criteria: LabCorp Variant Classification Summary - May 2015. Collection method: clinical testing. Allele origin: germline.
Comment: Variant summary: CDC42BPB c.3310-5C>T alters a non-conserved nucleotide located close to a canonical splice site and therefore could affect mRNA splicing, leading to a significantly altered protein sequence. Consensus agreement among computation tools predict no significant impact on normal splicing. However, these predictions have yet to be confirmed by functional studies. The variant allele was found at a frequency of 4e-06 in 249474 control chromosomes. The available data on variant occurrences in the general population are insufficient to allow any conclusion about variant significance. To our knowledge, no occurrence of c.3310-5C>T in individuals affected with Chilton-Okur Neurodevelopmental Syndrome and no experimental evidence demonstrating its impact on protein function have been reported. No submitters have cited clinical-significance assessments for this variant to ClinVar after 2014. Based on the evidence outlined above, the variant was classified as uncertain significance.

NM_006035.4(CDC42BPB):c.3310-5C>T

Gene: CDC42BPB (CDC42 binding protein kinase beta; minus strand). Cytogenetic location: 14q32.32.
Variant type: single nucleotide variant.
Coding change: c.3310-5C>T on transcript NM_006035.4 (MANE Select); 5 bases into the intron before coding-DNA position 3310, C replaced by T.
Molecular consequence: intron variant.
Genome position (GRCh38, 1-based): chr14:102,949,909, G>A on the plus strand (C>T on the coding strand, the complement: CDC42BPB is on the minus strand). VCF-style: chr14-102949909-G-A. GRCh37 (hg19) VCF-style: chr14-103416246-G-A.
Other names: c.3232-5C>T (NM_001411054.1).
Identifiers: ClinVar variation 2691549 (VCV002691549.1), dbSNP rs775703713, ClinGen allele CA7360767.